The following is an entry in ClinVar:

ClinVar aggregate classification (germline): Uncertain significance. Review status: criteria provided, multiple submitters, no conflicts (2 of 4 stars). 4 submissions from 4 submitters: Uncertain significance (4). Last evaluated 2025-10-23.

Conditions:
Glucocorticoid deficiency 5. Identifiers: MedGen C4540522, MONDO:0040502, OMIM 617825.
Cardiovascular phenotype. Identifiers: MedGen CN230736.
Primary dilated cardiomyopathy (DCM). Also called: Dilated Cardiomyopathy. Identifiers: Orphanet 217604, MedGen C0007193, MeSH D002311, MONDO:0005021, HP:0001644. Inheritance: Various modes of inheritance.

Allele frequency attached by ClinVar (database versions not stated): gnomAD exomes below 0.00001.
gnomAD v4.1: 9 of 1,528,764 alleles (0.00059%); highest among the groups gnomAD compares: East Asian, 0.0026%; no homozygotes.

Submissions (4):

Labcorp Genetics (formerly Invitae), Labcorp
Classification: Uncertain significance for Primary dilated cardiomyopathy. Last evaluated: 2025-10-23. Review status: criteria provided, single submitter. Criteria: Invitae Variant Classification Sherloc (09022015). Collection method: clinical testing. Allele origin: germline.
Comment: This sequence change replaces methionine, which is neutral and non-polar, with threonine, which is neutral and polar, at codon 4 of the TXNRD2 protein (p.Met4Thr). This variant is not present in population databases (gnomAD no frequency). This variant has not been reported in the literature in individuals affected with TXNRD2-related conditions. ClinVar contains an entry for this variant (Variation ID: 432854). An algorithm developed to predict the effect of missense changes on protein structure and function (PolyPhen-2) suggests that this variant is likely to be tolerated. In summary, the available evidence is currently insufficient to determine the role of this variant in disease. Therefore, it has been classified as a Variant of Uncertain Significance.

GeneDx
Classification: Uncertain significance. Last evaluated: 2024-07-29. Review status: criteria provided, single submitter. Criteria: GeneDx Variant Classification Process June 2021. Collection method: clinical testing. Allele origin: germline. Affected: yes.
Comment: Not observed at significant frequency in large population cohorts (gnomAD); In silico analysis indicates that this missense variant does not alter protein structure/function; Has not been previously published as pathogenic or benign to our knowledge

Ambry Genetics
Classification: Uncertain significance for Cardiovascular phenotype. Last evaluated: 2022-12-23. Review status: criteria provided, single submitter. Criteria: Ambry Variant Classification Scheme 2023. Collection method: clinical testing. Allele origin: germline.
Comment: The p.M4T variant (also known as c.11T>C), located in coding exon 1 of the TXNRD2 gene, results from a T to C substitution at nucleotide position 11. The methionine at codon 4 is replaced by threonine, an amino acid with similar properties. This amino acid position is conserved. In addition, this alteration is predicted to be tolerated by in silico analysis. Since supporting evidence is limited at this time, the clinical significance of this alteration remains unclear.

Clinical Genomics Laboratory, Stanford Medicine
Classification: Uncertain significance for Glucocorticoid deficiency 5. Last evaluated: 2021-07-21. Review status: criteria provided, single submitter. Criteria: ACMG Guidelines, 2015. Collection method: clinical testing. Allele origin: germline. Affected: yes. Observed: 1 heterozygote.
Comment: The p.Met4Thrvariant in the TXNRD2gene has not been previously reported in association with disease. This variantwas absent from large population databases, including the Genome Aggregation Database. Computational tools predict that this variant does not impact protein function; however, the accuracy of in silicoalgorithms is limited. These data were assessed using the ACMG/AMP variant interpretation guidelines. In summary, the significance of thep.Met4Thrvariant is uncertain. Additional information is needed to resolve the significance of this variant. [ACMG evidence codes used: PM2; BP4]

NM_006440.5(TXNRD2):c.11T>C (p.Met4Thr)

Genes: COMT (catechol-O-methyltransferase; plus strand), TXNRD2 (thioredoxin reductase 2; minus strand). Cytogenetic location: 22q11.21.
Variant type: single nucleotide variant.
Coding change: c.11T>C on transcript NM_006440.5 (MANE Select); coding-DNA position 11, T replaced by C.
Protein change: p.Met4Thr; replaces methionine 4 with threonine.
Molecular consequence: missense variant. On other transcripts: non-coding transcript variant (1), 5 prime UTR variant (2).
Genome position (GRCh38, 1-based): chr22:19,941,793, A>G on the plus strand (T>C on the coding strand, the complement: TXNRD2 is on the minus strand). VCF-style: chr22-19941793-A-G. GRCh37 (hg19) VCF-style: chr22-19929316-A-G.
Other names: p.Met4Thr; c.11T>C, p.Met4Thr (NM_001282512.3, NM_001352300.2); c.-196A>G (NM_000754.4); c.-490A>G (NM_001362828.2); short protein forms M4T.
Identifiers: ClinVar variation 432854 (VCV000432854.16), dbSNP rs1429174414, ClinGen allele CA410700165.